The following is an entry in ClinVar:

NC_000023.10:g.(?_591525)_(612320_?)dup

Gene: SHOX (SHOX homeobox; plus strand). Cytogenetic location: Xp22.33.
Variant type: Duplication.
Identifiers: ClinVar variation 3896533 (VCV003896533.2).

ClinVar aggregate classification (germline): Uncertain significance (1 of 4 stars; one submission).

Submission:

Women's Health and Genetics/Laboratory Corporation of America, LabCorp
Classification: Uncertain significance. Last evaluated: 2025-04-02. Review status: criteria provided, single submitter. Criteria: LabCorp Variant Classification Summary - May 2015. Collection method: clinical testing. Allele origin: germline.
Comment: Variant summary: The variant identified by MLPA or other technology involves the duplication of exons 1-5 (i.e. the full coding sequence) of the SHOX gene (NM_000451.4). Since the exact breakpoints of this duplication are not known, it might extend beyond the assayed region of the gene and include cis-regulatory elements, or other flanking genes. A presumed nomenclature of c.(?_-108)_(*6949_?)dup has been designated for the purposes of this classification. It has been assumed that this is a tandem duplication in direct orientation (Richardson_GIM_2018, Newman_AJHG_2015). Since the exact breakpoints of this duplication are not known, it is not possible to predict the protein level effect of this variant. The SHOX gene is located in a pseudoautosomal region of the X and Y chromosomes, and a large duplication variant (~109 kbp) involving the entire SHOX gene was found at a frequency of 0.00032 in 21646 control chromosomes in the gnomAD structural variants dataset. In addition, several duplication variants which encompass the whole SHOX gene are reported in this region ranging in size from 104 kbp to 1.67 Mbp, and each of these are observed in 1-7 alleles (with no homozygous occurrences). The available data on variant occurrences in the general population are insufficient to allow any conclusion about variant significance. Several copy number variants involving the duplication of the full coding sequence of the SHOX gene together with variable regions in the 5' and 3' UTRs have been reported in the literature in association with various phenotypes, e.g. tall stature, short stature, Leri-Weill dyschondrosteosis (see HGMD), however other phenotypes are also reported, e.g. autism spectrum disorder (PMID 27073233), and talipes equinovarus (PMID 32518174). A recent study (Bunyan_2023, PMID 36927524) suggested that the transcription of SHOX is dependent upon the interaction of the gene with a complex array of flanking regulatory elements, and while tall stature was present in a proportion of the full SHOX gene duplication cases, SHOX whole gene duplications also resulted in phenotypes more typically associated with SHOX haploinsufficiency, and were significantly over-represented in Leri-Weill Dyschondrosteosis and idiopathic short stature probands compared to population controls. This study concluded that there may be potential genotype-phenotype correlations regarding the duplication size and regulatory element content, however, similar duplications did not always produce a consistent phenotype, suggesting a highly variable expressivity. Several submitters have cited clinical-significance assessments for variants which include whole gene duplication of the SHOX gene to ClinVar after 2014, and most of them classified these variants as a VUS, or likely benign, without providing classification details. Based on the evidence outlined above, this duplication was classified as uncertain significance.